The following is an entry in ClinVar:

NM_000143.4(FH):c.1293del (p.Glu432fs)

Gene: FH (fumarate hydratase; minus strand). Cytogenetic location: 1q43.
Variant type: Deletion.
Coding change: c.1293del on transcript NM_000143.4 (MANE Select); coding-DNA position 1293, one base deleted (A; older notation c.1293delA).
Protein change: p.Glu432fs; shifts the reading frame from glutamic acid 432.
Molecular consequence: frameshift variant.
Genome position (GRCh38, 1-based): chr1:241,500,534, T deleted on the plus strand (A on the coding strand, the reverse complement: FH is on the minus strand). VCF-style (leftmost placement, unchanged base first): chr1-241500533-CT-C. GRCh37 (hg19) VCF-style: chr1-241663833-CT-C.
Other names: c.1293delA (NM_000143.4).
Identifiers: ClinVar variation 92452 (VCV000092452.27), dbSNP rs398123163, ClinGen allele CA285325.
Genomic context (GRCh38, chr1:241,500,533, plus strand): 5'-ACTCATTCATCAGCTTGTTGATCCTTTCTGTATTGGCCTGGATTCCCACCACGCAGTTTT[CT>C]GTAAAGGAAACTGAAGCATCCCCCAGCAGCCTGGCTGAGTGTAACACATTTTTAATCTTT-3'

ClinVar aggregate classification (germline): Pathogenic. Review status: criteria provided, multiple submitters, no conflicts (2 of 4 stars). 11 submissions from 11 submitters: Pathogenic (10). 1 of the submissions does not count toward it. Last evaluated 2026-05-04.

Conditions:
Hereditary cancer-predisposing syndrome. Also called: Hereditary Cancer Syndrome; Neoplastic Syndromes, Hereditary; Hereditary neoplastic syndrome; Tumor predisposition. Identifiers: Orphanet 140162, MedGen C0027672, MeSH D009386, MONDO:0015356.
Fumarase deficiency (FMRD). Also called: Fumarate Hydratase Deficiency; Fumaric aciduria. Identifiers: Orphanet 24, MedGen C0342770, MONDO:0011730, OMIM 606812.
Hereditary leiomyomatosis and renal cell cancer. Also called: Familial leiomyomatosis; MULTIPLE CUTANEOUS AND UTERINE LEIOMYOMATA 1, WITH OR WITHOUT RENAL CELL CARCINOMA; FH tumor predisposition syndrome; LEIOMYOMA, MULTIPLE CUTANEOUS; Reed syndrome; Multiple cutaneous and uterine leiomyomatosis. Identifiers: Orphanet 523, MedGen C1708350, MONDO:0007888, OMIM 150800, HP:0007437. Disease mechanism: loss of function.

Allele frequency attached by ClinVar (database versions not stated): gnomAD exomes 0.00001.

Submissions (11):

Women's Health and Genetics/Laboratory Corporation of America, LabCorp
Classification: Pathogenic for Hereditary leiomyomatosis and renal cell cancer. Last evaluated: 2026-05-04. Review status: criteria provided, single submitter. Criteria: LabCorp Variant Classification Summary - May 2015. Collection method: clinical testing. Allele origin: germline.
Comment: Variant summary: FH c.1293delA (p.Glu432LysfsX17) results in a premature termination codon, predicted to cause a truncation of the encoded protein or absence of the protein due to nonsense mediated decay, which are commonly known mechanisms for disease. The variant was absent in 251368 control chromosomes (gnomAD). c.1293delA has been observed in multiple individuals affected with Hereditary Leiomyomatosis And Renal Cell Cancer (Bhola_2018). These data indicate that the variant is very likely to be associated with disease. To our knowledge, no experimental evidence demonstrating an impact on protein function has been reported. The following publication have been ascertained in the context of this evaluation (PMID: 29423582). ClinVar contains an entry for this variant (Variation ID: 92452). Based on the evidence outlined above, the variant was classified as pathogenic for Hereditary Leiomyomatosis And Renal Cell Cancer and Fumarate Hydratase Deficiency.

Labcorp Genetics (formerly Invitae), Labcorp
Classification: Pathogenic. Last evaluated: 2026-01-10. Review status: criteria provided, single submitter. Criteria: Invitae Variant Classification Sherloc (09022015). Collection method: clinical testing. Allele origin: germline.
Comment: This sequence change creates a premature translational stop signal (p.Glu432Lysfs*17) in the FH gene. It is expected to result in an absent or disrupted protein product. Loss-of-function variants in FH are known to be pathogenic (PMID: 11865300, 21398687). This variant is not present in population databases (gnomAD no frequency). This premature translational stop signal has been observed in individual(s) with hereditary leiomyomatosis and renal cell carcinoma (PMID: 12772087, 17392716). It has also been observed to segregate with disease in related individuals. This variant is also known as 1164delA and 1162delA. ClinVar contains an entry for this variant (Variation ID: 92452). For these reasons, this variant has been classified as Pathogenic.

Quest Diagnostics Nichols Institute San Juan Capistrano
Classification: Pathogenic. Last evaluated: 2025-03-05. Review status: criteria provided, single submitter. Criteria: Quest Diagnostics criteria. Collection method: clinical testing. Allele origin: unknown.
Comment: The FH c.1293del (p.Glu432Lysfs*17) variant alters the translational reading frame of the FH mRNA and causes the premature termination of FH protein synthesis. This variant has been reported in the published literature in individuals with hereditary leiomyomatosis and renal cell carcinoma (PMID: 36777509 (2023), 30834943 (2019), 28300276 (2017)), fumarate hydratase deficiency (PMID: 31746132 (2020)), and renal cell carcinoma (PMID: 29423582 (2018), 17392716 (2007)). Additionally, a functional study demonstrated that this variant had a damaging effect on protein function (PMID: 31746132 (2020)). This variant has not been reported in large, multi-ethnic general populations (Genome Aggregation Database). Based on the available information, this variant is classified as pathogenic.

Ambry Genetics
Classification: Pathogenic for Hereditary cancer-predisposing syndrome. Last evaluated: 2024-05-08. Review status: criteria provided, single submitter. Criteria: Ambry Variant Classification Scheme 2023. Collection method: clinical testing. Allele origin: germline.
Comment: The c.1293delA pathogenic mutation, located in coding exon 9 of the FH gene, results from a deletion of one nucleotide at nucleotide position 1293, causing a translational frameshift with a predicted alternate stop codon (p.E432Kfs*17). In addition to the clinical data presented in the literature, this alteration is expected to result in loss of function by premature protein truncation or nonsense-mediated mRNA decay. As such, this alteration is interpreted as a disease-causing mutation.

Department of Pathology and Laboratory Medicine, Sinai Health System
Classification: Pathogenic for hereditary leiomyomatosis and renal cell cancer. Last evaluated: 2024-01-25. Review status: criteria provided, single submitter. Criteria: ACMG Guidelines, 2015. Collection method: clinical testing. Allele origin: germline. Affected: no.

Baylor Genetics
Classification: Pathogenic for Fumarase deficiency. Last evaluated: 2023-08-07. Review status: criteria provided, single submitter. Criteria: ACMG Guidelines, 2015. Collection method: clinical testing. Allele origin: unknown.

Myriad Genetics, Inc.
Classification: Pathogenic for Hereditary leiomyomatosis and renal cell cancer. Last evaluated: 2023-07-06. Review status: criteria provided, single submitter. Criteria: Myriad Autosomal Dominant, Autosomal Recessive and X-Linked Classification Criteria (2023). Collection method: clinical testing. Allele origin: unknown.
Comment: This variant is considered pathogenic. This variant creates a frameshift predicted to result in premature protein truncation.

GeneDx
Classification: Pathogenic. Last evaluated: 2022-03-15. Review status: criteria provided, single submitter. Criteria: GeneDx Variant Classification Process June 2021. Collection method: clinical testing. Allele origin: germline. Affected: yes.
Comment: Frameshift variant predicted to result in protein truncation, as the last 79 amino acids are replaced with 16 different amino acids; Published functional studies demonstrate a damaging effect: decreased tetramer formation and catalytic efficiencies (Grocott 2019); Not observed at significant frequency in large population cohorts (gnomAD); Also known as c.1164delA; This variant is associated with the following publications: (PMID: 17392716, 21404119, 29423582, 28300276, 31746132, 12772087)

Genomic Diagnostic Laboratory, Division of Genomic Diagnostics, Children's Hospital of Philadelphia
Classification: Pathogenic for Hereditary leiomyomatosis and renal cell cancer. Last evaluated: 2017-01-17. Review status: criteria provided, single submitter. Criteria: DGD Variant Analysis Guidelines. Collection method: clinical testing. Allele origin: germline. Affected: yes. Observed: 15 variant alleles.
Comment: Clinical Testing

Eurofins Ntd Llc (ga)
Classification: Pathogenic. Last evaluated: 2013-07-05. Review status: criteria provided, single submitter. Criteria: EGL Classification Definitions 2015. Collection method: clinical testing. Allele origin: germline. Observed: 6 variant alleles, 6 heterozygotes.

OMIM
Classification: Pathogenic for FUMARASE DEFICIENCY. Last evaluated: 2023-04-19. Review status: no assertion criteria provided. Collection method: literature only. Allele origin: germline. Not counted in ClinVar's aggregate classification.

Literature cited by the submitters: PubMed 29423582 (cited by 4 submitters); PubMed 11865300 (cited by Labcorp Genetics (formerly Invitae), Labcorp); PubMed 21398687 (cited by Labcorp Genetics (formerly Invitae), Labcorp); PubMed 12772087 (cited by Labcorp Genetics (formerly Invitae), Labcorp and Department of Pathology and Laboratory Medicine, Sinai Health System); PubMed 17392716 (cited by 4 submitters); PubMed 30834943 (cited by Quest Diagnostics Nichols Institute San Juan Capistrano); PubMed 31746132 (cited by 3 submitters); PubMed 28300276 (cited by Quest Diagnostics Nichols Institute San Juan Capistrano); PubMed 36777509 (cited by Quest Diagnostics Nichols Institute San Juan Capistrano); PubMed 21404119 (cited by Ambry Genetics).